The following is an entry in ClinVar:

NM_000868.4(HTR2C):c.778A>G (p.Ser260Gly)

Genes: HTR2C (5-hydroxytryptamine receptor 2C; plus strand), LOC126863306 (MED14-independent group 3 enhancer GRCh37_chrX:114140926-114142125; plus strand). Cytogenetic location: Xq23.
Variant type: single nucleotide variant.
Coding change: c.778A>G on transcript NM_000868.4 (MANE Select); coding-DNA position 778, A replaced by G.
Protein change: p.Ser260Gly; replaces serine 260 with glycine.
Molecular consequence: missense variant.
Genome position (GRCh38, 1-based): chrX:114,906,816, A>G. VCF-style: chrX-114906816-A-G. GRCh37 (hg19) VCF-style: chrX-114141379-A-G.
Other names: c.778A>G, p.Ser260Gly (NM_001256760.3); c.683A>G, p.Lys228Arg (NM_001256761.3); short protein forms K228R, S260G.
Identifiers: ClinVar variation 3059916 (VCV003059916.2), dbSNP rs148470204, ClinGen allele CA10495511.

ClinVar aggregate classification (germline): Likely benign (0 of 4 stars; one submission).

Conditions:
HTR2C-related disorder. Also called: HTR2C-related condition.

Allele frequency attached by ClinVar (database versions not stated): ESP Exome Variant Server 0.00028; 1000 Genomes Project 30x 0.00125.
gnomAD v4.1: 109 of 1,208,748 alleles (0.009%); highest among the groups gnomAD compares: African/African-American, 0.16%; no homozygotes.

Submission:

PreventionGenetics, part of Exact Sciences
Classification: Likely benign for HTR2C-related condition. Last evaluated: 2022-02-09. Review status: no assertion criteria provided. Collection method: clinical testing. Allele origin: germline.
Comment: This variant is classified as likely benign based on ACMG/AMP sequence variant interpretation guidelines (Richards et al. 2015 PMID: 25741868, with internal and published modifications).